The following is an entry in ClinVar:

ClinVar aggregate classification (germline): Uncertain significance (1 of 4 stars; one submission).

Conditions:
Idiopathic Pulmonary Fibrosis. Also called: Idiopathic fibrosing alveolitis, chronic form; idiopathic fibrosing alveolitis. Identifiers: Orphanet 2032, MedGen C1800706, MeSH D054990, MONDO:0800504.
Dyskeratosis congenita, autosomal dominant 2. Identifiers: MedGen C3151443, MONDO:0013521, OMIM 613989.

Submission:

Labcorp Genetics (formerly Invitae), Labcorp
Classification: Uncertain significance for Dyskeratosis congenita, autosomal dominant 2; Idiopathic Pulmonary Fibrosis. Last evaluated: 2022-03-13. Review status: criteria provided, single submitter. Criteria: Invitae Variant Classification Sherloc (09022015). Collection method: clinical testing. Allele origin: germline.
Comment: In summary, the available evidence is currently insufficient to determine the role of this variant in disease. Therefore, it has been classified as a Variant of Uncertain Significance. This variant is not present in population databases (gnomAD no frequency). Advanced modeling of protein sequence and biophysical properties (such as structural, functional, and spatial information, amino acid conservation, physicochemical variation, residue mobility, and thermodynamic stability) performed at Invitae indicates that this missense variant is not expected to disrupt TERT protein function. This variant has not been reported in the literature in individuals affected with TERT-related conditions. This sequence change replaces alanine, which is neutral and non-polar, with serine, which is neutral and polar, at codon 326 of the TERT protein (p.Ala326Ser).

NM_198253.3(TERT):c.976G>T (p.Ala326Ser)

Gene: TERT (telomerase reverse transcriptase; minus strand). Cytogenetic location: 5p15.33.
Variant type: single nucleotide variant.
Coding change: c.976G>T on transcript NM_198253.3 (MANE Select); coding-DNA position 976, G replaced by T.
Protein change: p.Ala326Ser; replaces alanine 326 with serine.
Molecular consequence: missense variant. On other transcripts: non-coding transcript variant (2).
Genome position (GRCh38, 1-based): chr5:1,293,910, C>A on the plus strand (G>T on the coding strand, the complement: TERT is on the minus strand). VCF-style: chr5-1293910-C-A. GRCh37 (hg19) VCF-style: chr5-1294025-C-A.
Other names: c.976G>T, p.Ala326Ser (NM_001193376.3, NM_003219.1); short protein forms A326S.
Identifiers: ClinVar variation 2143137 (VCV002143137.4), dbSNP rs1030156757, ClinGen allele CA359056039.